The following is an entry in ClinVar:

ClinVar aggregate classification (germline): Uncertain significance (1 of 4 stars; one submission).

Submission:

Labcorp Genetics (formerly Invitae), Labcorp
Classification: Uncertain significance. Last evaluated: 2024-11-05. Review status: criteria provided, single submitter. Criteria: Invitae Variant Classification Sherloc (09022015). Collection method: clinical testing. Allele origin: germline.
Comment: This sequence change replaces serine, which is neutral and polar, with isoleucine, which is neutral and non-polar, at codon 1080 of the ADAMTS18 protein (p.Ser1080Ile). Information on the frequency of this variant in the gnomAD database is not available, as this variant may be reported differently in the database. This variant has not been reported in the literature in individuals affected with ADAMTS18-related conditions. ClinVar contains an entry for this variant (Variation ID: 2819381). An algorithm developed to predict the effect of missense changes on protein structure and function (PolyPhen-2) suggests that this variant is likely to be tolerated. In summary, the available evidence is currently insufficient to determine the role of this variant in disease. Therefore, it has been classified as a Variant of Uncertain Significance.

NM_199355.4(ADAMTS18):c.3239_3240delinsTA (p.Ser1080Ile)

Gene: ADAMTS18 (ADAM metallopeptidase with thrombospondin type 1 motif 18; minus strand). Cytogenetic location: 16q23.1.
Variant type: Indel.
Coding change: c.3239_3240delinsTA on transcript NM_199355.4 (MANE Select); coding-DNA positions 3239 to 3240, GC replaced by TA.
Protein change: p.Ser1080Ile; replaces serine 1080 with isoleucine.
Molecular consequence: missense variant.
Genome position (GRCh38, 1-based): chr16:77,291,428-77,291,429, GC replaced by TA on the plus strand (GC replaced by TA on the coding strand, the reverse complement: ADAMTS18 is on the minus strand). VCF-style: chr16-77291428-GC-TA. GRCh37 (hg19) VCF-style: chr16-77325325-GC-TA.
Other names: c.2723_2724delinsTA, p.Ser908Ile (NM_001326358.2); short protein forms S1080I, S908I.
Identifiers: ClinVar variation 2819381 (VCV002819381.3), dbSNP rs2543575407, ClinGen allele CA2739266896.
Genomic context (GRCh38, chr16:77,291,428, plus strand): 5'-CTTAATATTACGGCATCTTCGCTCTGGGAAAGTTATCAGCTTTCCCTGGAAGCCCTTCTC[GC>TA]TGCACTTCATCTCCCTCTTCCTCACACCCAAACCACAGGTTGCAGAACACTAGGAGCCAA-3'
Protein context (NP_955387.1, residues 1070-1090): LGVRKREMKC[Ser1080Ile]EKGFQGKLIT